The following is an entry in ClinVar:

ClinVar aggregate classification (germline): Benign. Review status: criteria provided, multiple submitters, no conflicts (2 of 4 stars). 12 submissions from 12 submitters: Benign (11). 1 of the submissions does not count toward it. Last evaluated 2026-02-04.

Conditions:
Retinal dystrophy. Also called: Inherited retinal dystrophy. Identifiers: Orphanet 71862, MedGen C0854723, MeSH D058499, MONDO:0019118, HP:0000556.
Usher syndrome type 2A. Also called: RETINAL DISEASE IN USHER SYNDROME TYPE IIA, MODIFIER OF; USHER SYNDROME, TYPE IIA. Identifiers: Orphanet 231178, Orphanet 886, MedGen C1848634, MONDO:0010169, OMIM 276901.

Allele frequency attached by ClinVar (database versions not stated): 1000 Genomes Project 0.05891; 1000 Genomes Project 30x 0.06106; gnomAD exomes 0.08388 and 0.06838; ESP Exome Variant Server 0.08511; TOPMed 0.07601; gnomAD 0.07727 and 0.07575; ExAC 0.06693.
gnomAD v4.1: 133,465 of 1,613,400 alleles (8.3%); highest among the groups gnomAD compares: Non-Finnish European, 9.1%; 6,079 homozygotes.

Submissions (12):

Labcorp Genetics (formerly Invitae), Labcorp
Classification: Benign. Last evaluated: 2026-02-04. Review status: criteria provided, single submitter. Criteria: Invitae Variant Classification Sherloc (09022015). Collection method: clinical testing. Allele origin: germline.

Women's Health and Genetics/Laboratory Corporation of America, LabCorp
Classification: Benign. Last evaluated: 2025-09-19. Review status: criteria provided, single submitter. Criteria: LabCorp Variant Classification Summary - May 2015. Collection method: clinical testing. Allele origin: germline.

Blueprint Genetics
Classification: Benign. Last evaluated: 2024-11-26. Review status: criteria provided, single submitter. Criteria: ACMG Guidelines, 2015. Collection method: clinical testing. Allele origin: germline.

Dept Of Ophthalmology, Nagoya University
Classification: Benign for Retinal dystrophy. Last evaluated: 2023-10-01. Review status: criteria provided, single submitter. Criteria: Submitter's publication. Collection method: research. Allele origin: germline. Affected: yes.

Genome-Nilou Lab
Classification: Benign for Usher syndrome type 2A. Last evaluated: 2021-07-01. Review status: criteria provided, single submitter. Criteria: ACMG Guidelines, 2015. Collection method: clinical testing. Allele origin: germline. Affected: no.

Mayo Clinic Laboratories, Mayo Clinic
Classification: Benign. Last evaluated: 2020-12-09. Review status: criteria provided, single submitter. Criteria: ACMG Guidelines, 2015. Collection method: clinical testing. Allele origin: germline. Observed: 12 variant alleles.

Eurofins Ntd Llc (ga)
Classification: Benign. Last evaluated: 2013-04-05. Review status: criteria provided, single submitter. Criteria: EGL Classification Definitions 2015. Collection method: clinical testing. Allele origin: germline. Observed: 4 variant alleles, 4 heterozygotes.

GeneDx
Classification: Benign. Last evaluated: 2013-01-07. Review status: criteria provided, single submitter. Criteria: GeneDx Variant Classification (06012015). Collection method: clinical testing. Allele origin: germline. Affected: yes.
Comment: This variant is considered likely benign or benign based on one or more of the following criteria: it is a conservative change, it occurs at a poorly conserved position in the protein, it is predicted to be benign by multiple in silico algorithms, and/or has population frequency not consistent with disease.

Laboratory for Molecular Medicine, Mass General Brigham Personalized Medicine
Classification: Benign. Last evaluated: 2008-02-19. Review status: criteria provided, single submitter. Criteria: LMM Criteria. Collection method: clinical testing. Allele origin: germline. Observed: 305 variant alleles.

Breakthrough Genomics
Classification: Benign. Review status: criteria provided, single submitter. Criteria: ACMG Guidelines, 2015. Collection method: not provided. Allele origin: germline. Inheritance: Autosomal recessive inheritance. Affected: yes.

PreventionGenetics, part of Exact Sciences
Classification: Benign. Review status: criteria provided, single submitter. Criteria: ACMG Guidelines, 2015. Collection method: clinical testing. Allele origin: germline.

Natera, Inc.
Classification: Benign for Usher syndrome type 2A. Last evaluated: 2020-09-16. Review status: no assertion criteria provided. Collection method: clinical testing. Allele origin: germline. Not counted in ClinVar's aggregate classification.

NM_206933.4(USH2A):c.7506G>A (p.Pro2502=)

Gene: USH2A (usherin; minus strand). Cytogenetic location: 1q41.
Variant type: single nucleotide variant.
Coding change: c.7506G>A on transcript NM_206933.4 (MANE Select); coding-DNA position 7506, G replaced by A.
Protein change: p.Pro2502=; no amino-acid change (proline 2502 retained).
Molecular consequence: synonymous variant.
Genome position (GRCh38, 1-based): chr1:215,900,163, C>T on the plus strand (G>A on the coding strand, the complement: USH2A is on the minus strand). VCF-style: chr1-215900163-C-T. GRCh37 (hg19) VCF-style: chr1-216073505-C-T.
Other names: p.P2502P:CCG>CCA; p.Pro2502=.
Identifiers: ClinVar variation 48584 (VCV000048584.26), dbSNP rs12404427, ClinGen allele CA143597.
Genomic context (GRCh38, chr1:215,900,163, plus strand): 5'-AGAACTATGTGCACTGCCAAATCCATTGGAGGCAACCAACCGAAACATATACTCTGTGTA[C>T]GGTTGGAGATCACTCACTTCATAGCTTAACGATGCAGAAGGATTGGAAAATAACCTGTAT-3'
Protein context (NP_996816.3, residues 2492-2512): SLSYEVSDLQ[Pro2502=]YTEYMFRLVA